The following is an entry in ClinVar:

NM_015450.3(POT1):c.1129T>G (p.Ser377Ala)

Gene: POT1 (protection of telomeres 1; minus strand). Cytogenetic location: 7q31.33.
Variant type: single nucleotide variant.
Coding change: c.1129T>G on transcript NM_015450.3 (MANE Select); coding-DNA position 1129, T replaced by G.
Protein change: p.Ser377Ala; replaces serine 377 with alanine.
Molecular consequence: missense variant. On other transcripts: non-coding transcript variant (3).
Genome position (GRCh38, 1-based): chr7:124,842,841, A>C on the plus strand (T>G on the coding strand, the complement: POT1 is on the minus strand). VCF-style: chr7-124842841-A-C. GRCh37 (hg19) VCF-style: chr7-124482895-A-C.
Other names: c.736T>G, p.Ser246Ala (NM_001042594.2); short protein forms S377A, S246A.
Identifiers: ClinVar variation 2820638 (VCV002820638.3), dbSNP rs1795061239, ClinGen allele CA369068211.

ClinVar aggregate classification (germline): Uncertain significance (1 of 4 stars; one submission).

Conditions:
Tumor predisposition syndrome 3 (TPDS3). Also called: Melanoma, cutaneous malignant, susceptibility to, 10; LONG TELOMERE SYNDROME, POT1-RELATED; POT1 Tumor Predisposition; Glioma susceptibility 9. Identifiers: Orphanet 618, MedGen C4014476, MONDO:0014368, OMIM 615848.

Allele frequency attached by ClinVar (database versions not stated): gnomAD exomes below 0.00001.
gnomAD v4.1: 1 of 1,602,042 alleles (0.000062%); highest among the groups gnomAD compares: East Asian, 0.0022%; no homozygotes.

Submission:

Labcorp Genetics (formerly Invitae), Labcorp
Classification: Uncertain significance for Tumor predisposition syndrome 3. Last evaluated: 2023-04-09. Review status: criteria provided, single submitter. Criteria: Invitae Variant Classification Sherloc (09022015). Collection method: clinical testing. Allele origin: germline.
Comment: Advanced modeling of protein sequence and biophysical properties (such as structural, functional, and spatial information, amino acid conservation, physicochemical variation, residue mobility, and thermodynamic stability) performed at Invitae indicates that this missense variant is not expected to disrupt POT1 protein function. This variant has not been reported in the literature in individuals affected with POT1-related conditions. This variant is not present in population databases (gnomAD no frequency). This sequence change replaces serine, which is neutral and polar, with alanine, which is neutral and non-polar, at codon 377 of the POT1 protein (p.Ser377Ala). In summary, the available evidence is currently insufficient to determine the role of this variant in disease. Therefore, it has been classified as a Variant of Uncertain Significance.